The following is an entry in ClinVar:

ClinVar aggregate classification (germline): Uncertain significance (1 of 4 stars; one submission).

Conditions:
Left ventricular noncompaction 1 (LVNC1). Also called: LEFT VENTRICULAR NONCOMPACTION 1 WITH OR WITHOUT CONGENITAL HEART DEFECTS. Identifiers: Orphanet 54260, MedGen C1858725, MONDO:0011403, OMIM 604169.

Allele frequency attached by ClinVar (database versions not stated): gnomAD exomes 0.00001.
gnomAD v4.1: 18 of 1,614,078 alleles (0.0011%); highest among the groups gnomAD compares: South Asian, 0.0033%; no homozygotes.

Submission:

Labcorp Genetics (formerly Invitae), Labcorp
Classification: Uncertain significance for Left ventricular noncompaction 1. Last evaluated: 2021-10-06. Review status: criteria provided, single submitter. Criteria: Invitae Variant Classification Sherloc (09022015). Collection method: clinical testing. Allele origin: germline.
Comment: In summary, the available evidence is currently insufficient to determine the role of this variant in disease. Therefore, it has been classified as a Variant of Uncertain Significance. Algorithms developed to predict the effect of sequence changes on RNA splicing suggest that this variant may create or strengthen a splice site. Algorithms developed to predict the effect of missense changes on protein structure and function (SIFT, PolyPhen-2, Align-GVGD) all suggest that this variant is likely to be disruptive. This variant has not been reported in the literature in individuals affected with DTNA-related conditions. This variant is not present in population databases (ExAC no frequency). This sequence change replaces arginine with glutamine at codon 95 of the DTNA protein (p.Arg95Gln). The arginine residue is highly conserved and there is a small physicochemical difference between arginine and glutamine.

NM_001386795.1(DTNA):c.284G>A (p.Arg95Gln)

Gene: DTNA (dystrobrevin alpha; plus strand). Cytogenetic location: 18q12.1.
Variant type: single nucleotide variant.
Coding change: c.284G>A on transcript NM_001386795.1 (MANE Select); coding-DNA position 284, G replaced by A.
Protein change: p.Arg95Gln; replaces arginine 95 with glutamine.
Molecular consequence: missense variant.
Genome position (GRCh38, 1-based): chr18:34,794,172, G>A. VCF-style: chr18-34794172-G-A. GRCh37 (hg19) VCF-style: chr18-32374136-G-A.
Other names: c.284G>A, p.Arg95Gln (NM_001386755.1, NM_001386756.1, NM_001198938.2 and 35 more transcripts); short protein forms R95Q.
Identifiers: ClinVar variation 1412379 (VCV001412379.6), dbSNP rs2094870463, ClinGen allele CA402275039.
Genomic context (GRCh38, chr18:34,794,172, plus strand): 5'-AACTCAACGTGTCCCGCTTAGAGGCTGTGCTCTCCACTATTTTTTACCAGCTCAACAAAC[G>A]GATGCCAACCACTCACCAAATCCATGTGGAGCAGTCCATCAGCCTCCTCCTTAACTTCCT-3'
Protein context (NP_001373724.1, residues 85-105): LSTIFYQLNK[Arg95Gln]MPTTHQIHVE